The following is an entry in ClinVar:

NM_024334.3(TMEM43):c.668A>T (p.Asp223Val)

Gene: TMEM43 (transmembrane protein 43; plus strand). Cytogenetic location: 3p25.1.
Variant type: single nucleotide variant.
Coding change: c.668A>T on transcript NM_024334.3 (MANE Select); coding-DNA position 668, A replaced by T.
Protein change: p.Asp223Val; replaces aspartic acid 223 with valine.
Molecular consequence: missense variant.
Genome position (GRCh38, 1-based): chr3:14,134,854, A>T. VCF-style: chr3-14134854-A-T. GRCh37 (hg19) VCF-style: chr3-14176354-A-T.
Other names: c.671A>T, p.Asp224Val (NM_001407274.1); c.668A>T, p.Asp223Val (NM_001407275.1, NM_001407276.1, NM_001407277.1 and 1 more transcripts); c.653A>T, p.Asp218Val (NM_001407278.1); c.518A>T, p.Asp173Val (NM_001407280.1); short protein forms D173V, D218V, D223V, D224V.
Identifiers: ClinVar variation 1714878 (VCV001714878.5), dbSNP rs2470188065, ClinGen allele CA351535598.
Genomic context (GRCh38, chr3:14,134,854, plus strand): 5'-TCAAGTCCCTGAGCCTATCCAAGCTGGAGGACCCTCATGTGGACATCATTCGCCGTGGAG[A>T]CTTTTTCTACCACAGCGAAAATCCCAAGTATCCAGAGGTGTGCGGAGAGGCCTGGGCTCT-3'
Protein context (NP_077310.1, residues 213-233): DPHVDIIRRG[Asp223Val]FFYHSENPKY

ClinVar aggregate classification (germline): Uncertain significance (1 of 4 stars; one submission).

Conditions:
Arrhythmogenic right ventricular dysplasia 5. Also called: Arrhythmogenic Right Ventricular Dysplasia/Cardiomyopathy 5; ARRHYTHMOGENIC RIGHT VENTRICULAR DYSPLASIA, FAMILIAL, 5. Identifiers: MedGen C1858379, MONDO:0011459, OMIM 604400.

Submission:

Labcorp Genetics (formerly Invitae), Labcorp
Classification: Uncertain significance for Arrhythmogenic right ventricular dysplasia 5. Last evaluated: 2024-10-18. Review status: criteria provided, single submitter. Criteria: Invitae Variant Classification Sherloc (09022015). Collection method: clinical testing. Allele origin: germline.
Comment: This sequence change replaces aspartic acid, which is acidic and polar, with valine, which is neutral and non-polar, at codon 223 of the TMEM43 protein (p.Asp223Val). This variant is not present in population databases (gnomAD no frequency). This variant has not been reported in the literature in individuals affected with TMEM43-related conditions. ClinVar contains an entry for this variant (Variation ID: 1714878). Invitae Evidence Modeling of protein sequence and biophysical properties (such as structural, functional, and spatial information, amino acid conservation, physicochemical variation, residue mobility, and thermodynamic stability) has been performed for this missense variant. However, the output from this modeling did not meet the statistical confidence thresholds required to predict the impact of this variant on TMEM43 protein function. In summary, the available evidence is currently insufficient to determine the role of this variant in disease. Therefore, it has been classified as a Variant of Uncertain Significance.